The following is an entry in ClinVar:

ClinVar aggregate classification (germline): Uncertain significance (1 of 4 stars; one submission).

gnomAD v4.1: 10 of 1,606,850 alleles (0.00062%); highest among the groups gnomAD compares: African/African-American, 0.0027%; no homozygotes.

Submission:

GeneDx
Classification: Uncertain significance. Last evaluated: 2023-06-29. Review status: criteria provided, single submitter. Criteria: GeneDx Variant Classification Process June 2021. Collection method: clinical testing. Allele origin: germline. Affected: yes.
Comment: Not observed at significant frequency in large population cohorts (gnomAD); In silico analysis supports that this missense variant has a deleterious effect on protein structure/function; Has not been previously published as pathogenic or benign to our knowledge

NM_021096.4(CACNA1I):c.572G>A (p.Arg191His)

Gene: CACNA1I (calcium voltage-gated channel subunit alpha1 I; plus strand). Cytogenetic location: 22q13.1.
Variant type: single nucleotide variant.
Coding change: c.572G>A on transcript NM_021096.4 (MANE Select); coding-DNA position 572, G replaced by A.
Protein change: p.Arg191His; replaces arginine 191 with histidine.
Molecular consequence: missense variant.
Genome position (GRCh38, 1-based): chr22:39,619,399, G>A. VCF-style: chr22-39619399-G-A. GRCh37 (hg19) VCF-style: chr22-40015404-G-A.
Other names: c.572G>A, p.Arg191His (NM_001003406.2); short protein forms R191H.
Identifiers: ClinVar variation 3360362 (VCV003360362.1).